The following is an entry in ClinVar:

NM_005472.5(KCNE3):c.44A>G (p.His15Arg)

Gene: KCNE3 (potassium voltage-gated channel subfamily E regulatory subunit 3; minus strand). Cytogenetic location: 11q13.4.
Variant type: single nucleotide variant.
Coding change: c.44A>G on transcript NM_005472.5 (MANE Select); coding-DNA position 44, A replaced by G.
Protein change: p.His15Arg; replaces histidine 15 with arginine.
Molecular consequence: missense variant.
Genome position (GRCh38, 1-based): chr11:74,457,520, T>C on the plus strand (A>G on the coding strand, the complement: KCNE3 is on the minus strand). VCF-style: chr11-74457520-T-C. GRCh37 (hg19) VCF-style: chr11-74168565-T-C.
Other names: short protein forms H15R.
Identifiers: ClinVar variation 3532255 (VCV003532255.2).

ClinVar aggregate classification (germline): Uncertain significance. Review status: criteria provided, multiple submitters, no conflicts (2 of 4 stars). 2 submissions from 2 submitters: Uncertain significance (2). Last evaluated 2025-05-19.

Conditions:
Cardiovascular phenotype. Identifiers: MedGen CN230736.
Brugada syndrome 6 (BRGDA6). Identifiers: Orphanet 130, MedGen C2751089, MONDO:0013145, OMIM 613119.

Submissions (2):

Labcorp Genetics (formerly Invitae), Labcorp
Classification: Uncertain significance for Brugada syndrome 6. Last evaluated: 2025-05-19. Review status: criteria provided, single submitter. Criteria: Invitae Variant Classification Sherloc (09022015). Collection method: clinical testing. Allele origin: germline.
Comment: This sequence change replaces histidine, which is basic and polar, with arginine, which is basic and polar, at codon 15 of the KCNE3 protein (p.His15Arg). This variant is present in population databases (rs771425703, gnomAD 0.004%). This variant has not been reported in the literature in individuals affected with KCNE3-related conditions. ClinVar contains an entry for this variant (Variation ID: 3532255). An algorithm developed to predict the effect of missense changes on protein structure and function (PolyPhen-2) suggests that this variant is likely to be tolerated. In summary, the available evidence is currently insufficient to determine the role of this variant in disease. Therefore, it has been classified as a Variant of Uncertain Significance.

Ambry Genetics
Classification: Uncertain significance for Cardiovascular phenotype. Last evaluated: 2024-10-15. Review status: criteria provided, single submitter. Criteria: Ambry Variant Classification Scheme 2023. Collection method: clinical testing. Allele origin: germline.
Comment: The p.H15R variant (also known as c.44A>G), located in coding exon 1 of the KCNE3 gene, results from an A to G substitution at nucleotide position 44. The histidine at codon 15 is replaced by arginine, an amino acid with highly similar properties. This amino acid position is conserved. In addition, the in silico prediction for this alteration is inconclusive. Based on the available evidence, the clinical significance of this variant remains unclear.